The following is an entry in ClinVar:

ClinVar aggregate classification (germline): Uncertain significance (1 of 4 stars; one submission).

Conditions:
Inborn genetic diseases. Identifiers: MedGen C0950123, MeSH D030342.

Submission:

Ambry Genetics
Classification: Uncertain significance for Inborn genetic diseases. Last evaluated: 2022-01-27. Review status: criteria provided, single submitter. Criteria: Ambry Variant Classification Scheme 2023. Collection method: clinical testing. Allele origin: germline.
Comment: The p.E2400Q variant (also known as c.7198G>C), located in coding exon 49 of the LRRK2 gene, results from a G to C substitution at nucleotide position 7198. The glutamic acid at codon 2400 is replaced by glutamine, an amino acid with highly similar properties. This amino acid position is conserved. In addition, this alteration is predicted to be tolerated by in silico analysis. Since supporting evidence is limited at this time, the clinical significance of this alteration remains unclear.

NM_198578.4(LRRK2):c.7198G>C (p.Glu2400Gln)

Gene: LRRK2 (leucine rich repeat kinase 2; plus strand). Cytogenetic location: 12q12.
Variant type: single nucleotide variant.
Coding change: c.7198G>C on transcript NM_198578.4 (MANE Select); coding-DNA position 7198, G replaced by C.
Protein change: p.Glu2400Gln; replaces glutamic acid 2400 with glutamine.
Molecular consequence: missense variant.
Genome position (GRCh38, 1-based): chr12:40,364,858, G>C. VCF-style: chr12-40364858-G-C. GRCh37 (hg19) VCF-style: chr12-40758660-G-C.
Other names: short protein forms E2400Q.
Identifiers: ClinVar variation 1757608 (VCV001757608.2), dbSNP rs2500037120, ClinGen allele CA384414477.